The following is an entry in ClinVar:

ClinVar aggregate classification (germline): Likely pathogenic. Review status: criteria provided, multiple submitters, no conflicts (2 of 4 stars). 2 submissions from 2 submitters: Likely pathogenic (2). Last evaluated 2025-02-16.

Allele frequency attached by ClinVar (database versions not stated): gnomAD exomes below 0.00001.
gnomAD v4.1: 1 of 1,612,804 alleles (0.000062%); highest among the groups gnomAD compares: Non-Finnish European, 0.000085%; no homozygotes.

Submissions (2):

Laboratory of Genetics, Children's Clinical University Hospital Latvia
Classification: Likely pathogenic. Last evaluated: 2025-02-16. Review status: criteria provided, single submitter. Criteria: ACMG Guidelines, 2015. Collection method: clinical testing. Allele origin: germline. Affected: yes.

GeneDx
Classification: Likely pathogenic. Last evaluated: 2019-08-14. Review status: criteria provided, single submitter. Criteria: GeneDx Variant Classification Process June 2021. Collection method: clinical testing. Allele origin: germline. Affected: yes.
Comment: Not observed in large population cohorts (Lek et al., 2016); In silico analysis, which includes protein predictors and evolutionary conservation, supports a deleterious effect; Published functional studies suggest a damaging effect on channel function (Huang et al., 2018; Vanoye et al., 2018); This variant is associated with the following publications: (PMID: 27920829, 29532034, 30571187)

NM_000218.3(KCNQ1):c.701A>C (p.Gln234Pro)

Gene: KCNQ1 (potassium voltage-gated channel subfamily Q member 1; plus strand). Cytogenetic location: 11p15.5.
Variant type: single nucleotide variant.
Coding change: c.701A>C on transcript NM_000218.3 (MANE Select); coding-DNA position 701, A replaced by C.
Protein change: p.Gln234Pro; replaces glutamine 234 with proline.
Molecular consequence: missense variant.
Genome position (GRCh38, 1-based): chr11:2,572,030, A>C. VCF-style: chr11-2572030-A-C. GRCh37 (hg19) VCF-style: chr11-2593260-A-C.
Other names: c.701A>C, p.Gln234Pro (NM_001406836.1); c.431A>C, p.Gln144Pro (NM_001406837.1); c.320A>C, p.Gln107Pro (NM_181798.2); short protein forms Q107P, Q234P, Q144P.
Identifiers: ClinVar variation 200896 (VCV000200896.7), dbSNP rs794728570, ClinGen allele CA007932.